The following is an entry in ClinVar:

ClinVar aggregate classification (germline): Uncertain significance (1 of 4 stars; one submission).

Conditions:
Autoimmune interstitial lung disease-arthritis syndrome. Also called: Autoinflammation and autoimmunity, systemic, with immune dysregulation. Identifiers: Orphanet 444092, MedGen C5975714, MONDO:0014629.

Submission:

Labcorp Genetics (formerly Invitae), Labcorp
Classification: Uncertain significance for Autoimmune interstitial lung disease-arthritis syndrome. Last evaluated: 2022-06-14. Review status: criteria provided, single submitter. Criteria: Invitae Variant Classification Sherloc (09022015). Collection method: clinical testing. Allele origin: germline.
Comment: This sequence change replaces glycine, which is neutral and non-polar, with aspartic acid, which is acidic and polar, at codon 462 of the COPA protein (p.Gly462Asp). This variant is not present in population databases (gnomAD no frequency). This variant has not been reported in the literature in individuals affected with COPA-related conditions. Advanced modeling of protein sequence and biophysical properties (such as structural, functional, and spatial information, amino acid conservation, physicochemical variation, residue mobility, and thermodynamic stability) performed at Invitae indicates that this missense variant is expected to disrupt COPA protein function. In summary, the available evidence is currently insufficient to determine the role of this variant in disease. Therefore, it has been classified as a Variant of Uncertain Significance.

NM_004371.4(COPA):c.1385G>A (p.Gly462Asp)

Gene: COPA (coat protein complex I subunit alpha; minus strand). Cytogenetic location: 1q23.2.
Variant type: single nucleotide variant.
Coding change: c.1385G>A on transcript NM_004371.4 (MANE Select); coding-DNA position 1385, G replaced by A.
Protein change: p.Gly462Asp; replaces glycine 462 with aspartic acid.
Molecular consequence: missense variant.
Genome position (GRCh38, 1-based): chr1:160,306,411, C>T on the plus strand (G>A on the coding strand, the complement: COPA is on the minus strand). VCF-style: chr1-160306411-C-T. GRCh37 (hg19) VCF-style: chr1-160276201-C-T.
Other names: c.1385G>A, p.Gly462Asp (NM_001098398.2); short protein forms G462D.
Identifiers: ClinVar variation 1465989 (VCV001465989.8), dbSNP rs2101837649, ClinGen allele CA343255920.
Genomic context (GRCh38, chr1:160,306,411, plus strand): 5'-TACCGCTTCTGCTGTACGTCAAAGAGTGTGATAGAGTCCGCATCTCGAAGCAGGAGATTG[C>T]CTGTGCCAGCATAGAAGATCTCATCACAGTTGGGCACCTGTACCTTTTTGGTGATCTCAT-3'
Protein context (NP_004362.2, residues 452-472): NCDEIFYAGT[Gly462Asp]NLLLRDADSI